The following is an entry in ClinVar:

ClinVar aggregate classification (germline): Uncertain significance (1 of 4 stars; one submission).

gnomAD v4.1: 1 of 1,605,808 alleles (0.000062%); highest among the groups gnomAD compares: Non-Finnish European, 0.000085%; no homozygotes.

Submission:

Labcorp Genetics (formerly Invitae), Labcorp
Classification: Uncertain significance. Last evaluated: 2026-01-09. Review status: criteria provided, single submitter. Criteria: Invitae Variant Classification Sherloc (09022015). Collection method: clinical testing. Allele origin: germline.
Comment: This sequence change replaces glycine, which is neutral and non-polar, with aspartic acid, which is acidic and polar, at codon 268 of the KMT2E protein (p.Gly268Asp). This variant is not present in population databases (gnomAD no frequency). This variant has not been reported in the literature in individuals affected with KMT2E-related conditions. Invitae Evidence Modeling of protein sequence and biophysical properties (such as structural, functional, and spatial information, amino acid conservation, physicochemical variation, residue mobility, and thermodynamic stability) indicates that this missense variant is not expected to disrupt KMT2E protein function with a negative predictive value of 80%. In summary, the available evidence is currently insufficient to determine the role of this variant in disease. Therefore, it has been classified as a Variant of Uncertain Significance.

NM_182931.3(KMT2E):c.803G>A (p.Gly268Asp)

Gene: KMT2E (lysine methyltransferase 2E (inactive); plus strand). Cytogenetic location: 7q22.3.
Variant type: single nucleotide variant.
Coding change: c.803G>A on transcript NM_182931.3 (MANE Select); coding-DNA position 803, G replaced by A.
Protein change: p.Gly268Asp; replaces glycine 268 with aspartic acid.
Molecular consequence: missense variant.
Genome position (GRCh38, 1-based): chr7:105,076,997, G>A. VCF-style: chr7-105076997-G-A. GRCh37 (hg19) VCF-style: chr7-104717444-G-A.
Other names: c.803G>A, p.Gly268Asp (NM_001410908.1, NM_018682.4); short protein forms G268D.
Identifiers: ClinVar variation 4797742 (VCV004797742.1).